The following is an entry in ClinVar:

NM_133433.4(NIPBL):c.86C>T (p.Pro29Leu)

Gene: NIPBL (NIPBL cohesin loading factor; plus strand). Cytogenetic location: 5p13.2.
Variant type: single nucleotide variant.
Coding change: c.86C>T on transcript NM_133433.4 (MANE Select); coding-DNA position 86, C replaced by T.
Protein change: p.Pro29Leu; replaces proline 29 with leucine.
Molecular consequence: missense variant.
Genome position (GRCh38, 1-based): chr5:36,955,493, C>T. VCF-style: chr5-36955493-C-T. GRCh37 (hg19) VCF-style: chr5-36955595-C-T.
Other names: c.86C>T, p.Pro29Leu (NM_001438586.1, NM_015384.5); short protein forms P29L.
Identifiers: ClinVar variation 5009631 (VCV005009631.1).
Genomic context (GRCh38, chr5:36,955,493, plus strand): 5'-GTCACTCAATTTCTAATAATCTGATTTTATTCCAAATAGTCCTGAACCAGCTGCCTCTTC[C>T]ATCTCCTTTACCTGCTACAACTACAAAGAGCCTTCTCTTTAATGCACGAATAGCAGAAGA-3'
Protein context (NP_597677.2, residues 19-39): LTDLLNQLPL[Pro29Leu]SPLPATTTKS

ClinVar aggregate classification (germline): Uncertain significance (1 of 4 stars; one submission).

Submission:

GeneDx
Classification: Uncertain significance. Last evaluated: 2026-02-20. Review status: criteria provided, single submitter. Criteria: GeneDx Variant Classification Process June 2021. Collection method: clinical testing. Allele origin: germline.
Comment: Not observed at significant frequency in large population cohorts (gnomAD); In silico analysis supports that this missense variant has a deleterious effect on protein structure/function; Has not been previously published as pathogenic or benign to our knowledge